The following is an entry in ClinVar:

ClinVar aggregate classification (germline): Uncertain significance. Review status: criteria provided, multiple submitters, no conflicts (2 of 4 stars). 2 submissions from 2 submitters: Uncertain significance (2). Last evaluated 2024-04-28.

Conditions:
Hereditary cancer-predisposing syndrome. Also called: Neoplastic Syndromes, Hereditary; Hereditary Cancer Syndrome; Hereditary neoplastic syndrome; Tumor predisposition. Identifiers: Orphanet 140162, MedGen C0027672, MeSH D009386, MONDO:0015356.

Submissions (2):

Labcorp Genetics (formerly Invitae), Labcorp
Classification: Uncertain significance. Last evaluated: 2024-04-28. Review status: criteria provided, single submitter. Criteria: Invitae Variant Classification Sherloc (09022015). Collection method: clinical testing. Allele origin: germline.
Comment: This sequence change replaces asparagine, which is neutral and polar, with serine, which is neutral and polar, at codon 266 of the HOXB13 protein (p.Asn266Ser). This variant is not present in population databases (gnomAD no frequency). This variant has not been reported in the literature in individuals affected with HOXB13-related conditions. ClinVar contains an entry for this variant (Variation ID: 2563739). Advanced modeling of protein sequence and biophysical properties (such as structural, functional, and spatial information, amino acid conservation, physicochemical variation, residue mobility, and thermodynamic stability) performed at Invitae indicates that this missense variant is expected to disrupt HOXB13 protein function with a positive predictive value of 80%. In summary, the available evidence is currently insufficient to determine the role of this variant in disease. Therefore, it has been classified as a Variant of Uncertain Significance.

Ambry Genetics
Classification: Uncertain significance for Hereditary cancer-predisposing syndrome. Last evaluated: 2023-05-31. Review status: criteria provided, single submitter. Criteria: Ambry Variant Classification Scheme 2023. Collection method: clinical testing. Allele origin: germline.
Comment: The p.N266S variant (also known as c.797A>G), located in coding exon 2 of the HOXB13 gene, results from an A to G substitution at nucleotide position 797. The asparagine at codon 266 is replaced by serine, an amino acid with highly similar properties. This amino acid position is conserved. In addition, this alteration is predicted to be deleterious by in silico analysis. Since supporting evidence is limited at this time, the clinical significance of this alteration remains unclear.

NM_006361.6(HOXB13):c.797A>G (p.Asn266Ser)

Gene: HOXB13 (homeobox B13; minus strand). Cytogenetic location: 17q21.32.
Variant type: single nucleotide variant.
Coding change: c.797A>G on transcript NM_006361.6 (MANE Select); coding-DNA position 797, A replaced by G.
Protein change: p.Asn266Ser; replaces asparagine 266 with serine.
Molecular consequence: missense variant.
Genome position (GRCh38, 1-based): chr17:48,726,848, T>C on the plus strand (A>G on the coding strand, the complement: HOXB13 is on the minus strand). VCF-style: chr17-48726848-T-C. GRCh37 (hg19) VCF-style: chr17-46804210-T-C.
Other names: short protein forms N266S.
Identifiers: ClinVar variation 2563739 (VCV002563739.4), dbSNP rs1597932515, ClinGen allele CA400105613.
Genomic context (GRCh38, chr17:48,726,848, plus strand): 5'-TCTTAAGGGGTAGCGCTGTTCTTCACCTTGGCGAGAACCTTCTTCTCTTTGACCCGGCGG[T>C]TCTGAAACCAGATGGTAATCTGGCGCTCCGAGAGGCTGGTGGCTGCCGAGATCTTGCGCC-3'
Protein context (NP_006352.2, residues 256-276): SERQITIWFQ[Asn266Ser]RRVKEKKVLA